The following is an entry in ClinVar:

NM_021175.4(HAMP):c.65C>T (p.Thr22Ile)

Gene: HAMP (hepcidin antimicrobial peptide; plus strand). Cytogenetic location: 19q13.12.
Variant type: single nucleotide variant.
Coding change: c.65C>T on transcript NM_021175.4 (MANE Select); coding-DNA position 65, C replaced by T.
Protein change: p.Thr22Ile; replaces threonine 22 with isoleucine.
Molecular consequence: missense variant.
Genome position (GRCh38, 1-based): chr19:35,282,642, C>T. VCF-style: chr19-35282642-C-T. GRCh37 (hg19) VCF-style: chr19-35773545-C-T.
Other names: c.65C>T (NM_021175.2); short protein forms T22I.
Identifiers: ClinVar variation 1413522 (VCV001413522.6), dbSNP rs770745939, ClinGen allele CA9375765.
Genomic context (GRCh38, chr19:35,282,642, plus strand): 5'-CACTGAGCTCCCAGATCTGGGCCGCTTGCCTCCTGCTCCTCCTCCTCCTCGCCAGCCTGA[C>T]CAGTGGCTCTGTTTTCCCACAACAGGTGAGAGCCCAGTGGCCTGGGTCCTTAGCAGGGCA-3'
Protein context (NP_066998.1, residues 12-32): LLLLLLLASL[Thr22Ile]SGSVFPQQTG

ClinVar aggregate classification (germline): Uncertain significance. Review status: criteria provided, multiple submitters, no conflicts (2 of 4 stars). 2 submissions from 2 submitters: Uncertain significance (2). Last evaluated 2023-02-07.

Conditions:
Inborn genetic diseases. Identifiers: MedGen C0950123, MeSH D030342.
Hereditary hemochromatosis (HFE). Identifiers: MedGen C0392514, MONDO:0006507. Disease mechanism: loss of function.

Allele frequency attached by ClinVar (database versions not stated): gnomAD exomes 0.00001 and 0.00004; gnomAD 0.00003; ExAC 0.00004; TOPMed 0.00005.
gnomAD v4.1: 15 of 1,613,938 alleles (0.00093%); highest among the groups gnomAD compares: East Asian, 0.027%; no homozygotes.

Submissions (2):

Ambry Genetics
Classification: Uncertain significance for Inborn genetic diseases. Last evaluated: 2023-02-07. Review status: criteria provided, single submitter. Criteria: Ambry Variant Classification Scheme 2023. Collection method: clinical testing. Allele origin: germline.

Labcorp Genetics (formerly Invitae), Labcorp
Classification: Uncertain significance for Hereditary hemochromatosis. Last evaluated: 2021-09-24. Review status: criteria provided, single submitter. Criteria: Invitae Variant Classification Sherloc (09022015). Collection method: clinical testing. Allele origin: germline.
Comment: This sequence change replaces threonine with isoleucine at codon 22 of the HAMP protein (p.Thr22Ile). The threonine residue is moderately conserved and there is a moderate physicochemical difference between threonine and isoleucine. This variant is present in population databases (rs770745939, ExAC 0.06%). This variant has not been reported in the literature in individuals with HAMP-related conditions. Algorithms developed to predict the effect of missense changes on protein structure and function are either unavailable or do not agree on the potential impact of this missense change (SIFT: "Deleterious"; PolyPhen-2: "Possibly Damaging"; Align-GVGD: "Class C0"). In summary, the available evidence is currently insufficient to determine the role of this variant in disease. Therefore, it has been classified as a Variant of Uncertain Significance.